The following is an entry in ClinVar:

ClinVar aggregate classification (germline): Uncertain significance (1 of 4 stars; one submission).

gnomAD v4.1: 7 of 1,613,104 alleles (0.00043%); highest among the groups gnomAD compares: Non-Finnish European, 0.00059%; no homozygotes.

Submission:

Labcorp Genetics (formerly Invitae), Labcorp
Classification: Uncertain significance. Last evaluated: 2025-11-15. Review status: criteria provided, single submitter. Criteria: Invitae Variant Classification Sherloc (09022015). Collection method: clinical testing. Allele origin: germline.
Comment: This sequence change replaces asparagine, which is neutral and polar, with lysine, which is basic and polar, at codon 109 of the ADAMTS13 protein (p.Asn109Lys). This variant is present in population databases (no rsID available, gnomAD 0.007%). This variant has not been reported in the literature in individuals affected with ADAMTS13-related conditions. Invitae Evidence Modeling of protein sequence and biophysical properties (such as structural, functional, and spatial information, amino acid conservation, physicochemical variation, residue mobility, and thermodynamic stability) indicates that this missense variant is expected to disrupt ADAMTS13 protein function with a positive predictive value of 80%. In summary, the available evidence is currently insufficient to determine the role of this variant in disease. Therefore, it has been classified as a Variant of Uncertain Significance.

NM_139027.6(ADAMTS13):c.327C>G (p.Asn109Lys)

Gene: ADAMTS13 (ADAM metallopeptidase with thrombospondin type 1 motif 13; plus strand). Cytogenetic location: 9q34.2.
Variant type: single nucleotide variant.
Coding change: c.327C>G on transcript NM_139027.6 (MANE Select); coding-DNA position 327, C replaced by G.
Protein change: p.Asn109Lys; replaces asparagine 109 with lysine.
Molecular consequence: missense variant. On other transcripts: non-coding transcript variant (1).
Genome position (GRCh38, 1-based): chr9:133,424,475, C>G. VCF-style: chr9-133424475-C-G. GRCh37 (hg19) VCF-style: chr9-136289595-C-G.
Other names: c.327C>G, p.Asn109Lys (NM_139025.5, NM_139026.6); short protein forms N109K.
Identifiers: ClinVar variation 4743285 (VCV004743285.1).
Genomic context (GRCh38, chr9:133,424,475, plus strand): 5'-CCCCGATGTCTTCCAGGCTCACCAGGAGGACACAGAGCGCTATGTGCTCACCAACCTCAA[C>G]ATCGTGAGTGCCCCACGCTGGACTGTGCAGGTCCCCACGGCCAGGGCTGGTGACCAATGT-3'
Protein context (NP_620596.2, residues 99-119): DTERYVLTNL[Asn109Lys]IGAELLRDPS